The following is an entry in ClinVar:

NM_001872.5(CPB2):c.552A>G (p.Glu184=)

Genes: CPB2 (carboxypeptidase B2; minus strand), CPB2-AS1 (CPB2 antisense RNA 1; plus strand). Cytogenetic location: 13q14.13.
Variant type: single nucleotide variant.
Coding change: c.552A>G on transcript NM_001872.5 (MANE Select); coding-DNA position 552, A replaced by G.
Protein change: p.Glu184=; no amino-acid change (glutamic acid 184 retained).
Molecular consequence: synonymous variant.
Genome position (GRCh38, 1-based): chr13:46,073,912, T>C on the plus strand (A>G on the coding strand, the complement: CPB2 is on the minus strand). VCF-style: chr13-46073912-T-C. GRCh37 (hg19) VCF-style: chr13-46648047-T-C.
Other names: c.552A>G, p.Glu184= (NM_001278541.2).
Identifiers: ClinVar variation 3039073 (VCV003039073.2), dbSNP rs200231942, ClinGen allele CA6974912.

ClinVar aggregate classification (germline): Likely benign (0 of 4 stars; one submission).

Conditions:
CPB2-related disorder. Also called: CPB2-related condition.

Allele frequency attached by ClinVar (database versions not stated): gnomAD 0.00037; ESP Exome Variant Server 0.00038; ExAC 0.00039; gnomAD exomes 0.00041; TOPMed 0.00047.
gnomAD v4.1: 672 of 1,590,332 alleles (0.042%); highest among the groups gnomAD compares: Middle Eastern, 1.3%; 3 homozygotes.

Submission:

PreventionGenetics, part of Exact Sciences
Classification: Likely benign for CPB2-related condition. Last evaluated: 2019-06-18. Review status: no assertion criteria provided. Collection method: clinical testing. Allele origin: germline.
Comment: This variant is classified as likely benign based on ACMG/AMP sequence variant interpretation guidelines (Richards et al. 2015 PMID: 25741868, with internal and published modifications).